The following is an entry in ClinVar:

NM_020843.4(SCAPER):c.2022+7T>A

Gene: SCAPER (S-phase cyclin A associated protein in the ER; minus strand). Cytogenetic location: 15q24.3.
Variant type: single nucleotide variant.
Coding change: c.2022+7T>A on transcript NM_020843.4 (MANE Select); 7 bases into the intron after coding-DNA position 2022, T replaced by A.
Molecular consequence: intron variant.
Genome position (GRCh38, 1-based): chr15:76,733,222, A>T on the plus strand (T>A on the coding strand, the complement: SCAPER is on the minus strand). VCF-style: chr15-76733222-A-T. GRCh37 (hg19) VCF-style: chr15-77025563-A-T.
Other names: c.1638+7T>A (NM_001353011.2); c.1620+7T>A (NM_001353012.2, NM_001353010.2); c.2040+7T>A (NM_001353009.2); c.1284+7T>A (NM_001145923.2).
Identifiers: ClinVar variation 4998644 (VCV004998644.1).
Genomic context (GRCh38, chr15:76,733,222, plus strand): 5'-CTGCGGGGCTGGACCCTACAAATATGACAGGTGCTCAAGCAATGTTTGCTGAATAAAAAA[A>T]TCCTACCTGCACAGCTTCATCACGTGCTTGCTTTTCTTCCTGTCTTCTCTGACGCTCTTC-3'

ClinVar aggregate classification (germline): Likely benign (1 of 4 stars; one submission).

Conditions:
SCAPER-related disorder. Also called: SCAPER-related condition.

gnomAD v4.1: 18 of 1,556,690 alleles (0.0012%); highest among the groups gnomAD compares: Non-Finnish European, 0.0014%; no homozygotes.

Submission:

PreventionGenetics, part of Exact Sciences
Classification: Likely benign for SCAPER-related condition. Last evaluated: 2026-05-29. Review status: criteria provided, single submitter. Criteria: ACMG Guidelines, 2015. Collection method: clinical testing. Allele origin: germline.
Comment: This variant is classified as likely benign based on ACMG/AMP sequence variant interpretation guidelines (Richards et al. 2015 PMID: 25741868, with internal and published modifications).